The following is an entry in ClinVar:

ClinVar aggregate classification (germline): Conflicting classifications of pathogenicity. Review status: criteria provided, conflicting classifications (1 of 4 stars). 3 submissions from 3 submitters: Uncertain significance (2); Likely benign (1). Last evaluated 2026-05-03.

Conditions:
EP300-related disorder. Also called: EP300-related condition; EP300-related disorders.

Allele frequency attached by ClinVar (database versions not stated): TOPMed 0.00003; gnomAD 0.00004; gnomAD exomes 0.00004 and 0.00009; ExAC 0.00018.

Submissions (3):

PreventionGenetics, part of Exact Sciences
Classification: Uncertain significance for EP300-related condition. Last evaluated: 2026-05-03. Review status: criteria provided, single submitter. Criteria: ACMG Guidelines, 2015. Collection method: clinical testing. Allele origin: germline.
Comment: The EP300 c.2201A>G variant is predicted to result in the amino acid substitution p.Gln734Arg. This variant has been reported as a germline variant in an individual with recurrent neuroblastoma (Fransson et al. 2020. PubMed ID: 33384420). This variant is reported in 0.015% of alleles in individuals of European (Non-Finnish) descent in gnomAD, which may be too common to be a primary cause of disease. Although we suspect that this variant may be benign, at this time, the clinical significance of this variant is uncertain due to the absence of conclusive functional and genetic evidence.

Blueprint Genetics
Classification: Likely benign. Last evaluated: 2024-10-24. Review status: criteria provided, single submitter. Criteria: ACMG Guidelines, 2015. Collection method: clinical testing. Allele origin: germline.

CeGaT Center for Human Genetics Tuebingen
Classification: Uncertain significance. Last evaluated: 2022-02-01. Review status: criteria provided, single submitter. Criteria: CeGaT Center For Human Genetics Tuebingen Variant Classification Criteria Version 2. Collection method: clinical testing. Allele origin: germline. Affected: yes. Observed: 1 variant allele.

NM_001429.4(EP300):c.2201A>G (p.Gln734Arg)

Gene: EP300 (EP300 lysine acetyltransferase; plus strand). Cytogenetic location: 22q13.2.
Variant type: single nucleotide variant.
Coding change: c.2201A>G on transcript NM_001429.4 (MANE Select); coding-DNA position 2201, A replaced by G.
Protein change: p.Gln734Arg; replaces glutamine 734 with arginine.
Molecular consequence: missense variant.
Genome position (GRCh38, 1-based): chr22:41,147,906, A>G. VCF-style: chr22-41147906-A-G. GRCh37 (hg19) VCF-style: chr22-41543910-A-G.
Other names: c.2123A>G, p.Gln708Arg (NM_001362843.2); c.2201A>G (NM_001429.3); short protein forms Q708R, Q734R.
Identifiers: ClinVar variation 1675890 (VCV001675890.35), dbSNP rs779657418, ClinGen allele CA10252781.
Genomic context (GRCh38, chr22:41,147,906, plus strand): 5'-AATTTGGCCAGATGAGCATGGCCCAGCCCCCTATTGTACCCCGGCAAACCCCTCCTCTTC[A>G]GCACCATGGACAGTTGGCTCAACCTGGAGCTCTCAACCCGGTTAGTTTGACGTCTTTGGT-3'
Protein context (NP_001420.2, residues 724-744): PIVPRQTPPL[Gln734Arg]HHGQLAQPGA